The following is an entry in ClinVar:

NM_000535.7(PMS2):c.2540G>C (p.Arg847Thr)

Gene: PMS2 (PMS1 homolog 2, mismatch repair system component; minus strand). Cytogenetic location: 7p22.1.
Variant type: single nucleotide variant.
Coding change: c.2540G>C on transcript NM_000535.7 (MANE Select); coding-DNA position 2540, G replaced by C.
Protein change: p.Arg847Thr; replaces arginine 847 with threonine.
Molecular consequence: missense variant. On other transcripts: non-coding transcript variant (1).
Genome position (GRCh38, 1-based): chr7:5,973,448, C>G on the plus strand (G>C on the coding strand, the complement: PMS2 is on the minus strand). VCF-style: chr7-5973448-C-G. GRCh37 (hg19) VCF-style: chr7-6013079-C-G.
Other names: c.2135G>C, p.Arg712Thr (NM_001322003.2, NM_001322004.2, NM_001322005.2); c.2384G>C, p.Arg795Thr (NM_001322006.2); c.2222G>C, p.Arg741Thr (NM_001322007.2, NM_001322008.2); c.2168G>C, p.Arg723Thr (NM_001322009.2); c.1979G>C, p.Arg660Thr (NM_001322010.2); c.1607G>C, p.Arg536Thr (NM_001322011.2, NM_001322012.2); c.1967G>C, p.Arg656Thr (NM_001322013.2); c.2573G>C, p.Arg858Thr (NM_001322014.2); and 1 more; short protein forms R660T, R723T, R744T, R858T, R712T, R795T, R741T, R536T.
Identifiers: ClinVar variation 639805 (VCV000639805.8), dbSNP rs1583269177, ClinGen allele CA366734834.

ClinVar aggregate classification (germline): Uncertain significance (1 of 4 stars; one submission).

Conditions:
Hereditary nonpolyposis colorectal neoplasms. Identifiers: MedGen C0009405, MeSH D003123.

Submission:

Labcorp Genetics (formerly Invitae), Labcorp
Classification: Uncertain significance for Hereditary nonpolyposis colorectal neoplasms. Last evaluated: 2018-08-06. Review status: criteria provided, single submitter. Criteria: Invitae Variant Classification Sherloc (09022015). Collection method: clinical testing. Allele origin: germline.
Comment: In summary, the available evidence is currently insufficient to determine the role of this variant in disease. Therefore, it has been classified as a Variant of Uncertain Significance. Algorithms developed to predict the effect of missense changes on protein structure and function (SIFT, PolyPhen-2, Align-GVGD) all suggest that this variant is likely to be disruptive, but these predictions have not been confirmed by published functional studies and their clinical significance is uncertain. This variant has not been reported in the literature in individuals with PMS2-related disease. This sequence change replaces arginine with threonine at codon 847 of the PMS2 protein (p.Arg847Thr). The arginine residue is highly conserved and there is a moderate physicochemical difference between arginine and threonine.